The following is an entry in ClinVar:

NM_001385079.1(PDE10A):c.1838C>G (p.Thr613Arg)

Gene: PDE10A (phosphodiesterase 10A; minus strand). Cytogenetic location: 6q27.
Variant type: single nucleotide variant.
Coding change: c.1838C>G on transcript NM_001385079.1 (MANE Select); coding-DNA position 1838, C replaced by G.
Protein change: p.Thr613Arg; replaces threonine 613 with arginine.
Molecular consequence: missense variant.
Genome position (GRCh38, 1-based): chr6:165,416,240, G>C on the plus strand (C>G on the coding strand, the complement: PDE10A is on the minus strand). VCF-style: chr6-165416240-G-C. GRCh37 (hg19) VCF-style: chr6-165829728-G-C.
Other names: c.1040C>G, p.Thr347Arg (NM_001130690.3); c.1010C>G, p.Thr337Arg (NM_006661.4); short protein forms T337R, T347R, T613R.
Identifiers: ClinVar variation 3376772 (VCV003376772.1).

ClinVar aggregate classification (germline): Uncertain significance (1 of 4 stars; one submission).

Conditions:
Infantile-onset generalized dyskinesia with orofacial involvement. Also called: Dyskinesia, limb and orofacial, infantile-onset. Identifiers: Orphanet 494526, MedGen C5567464, MONDO:0044637, OMIM 616921.

Submission:

Victorian Clinical Genetics Services, Murdoch Childrens Research Institute
Classification: Uncertain significance for Infantile-onset generalized dyskinesia with orofacial involvement. Last evaluated: 2023-07-16. Review status: criteria provided, single submitter. Criteria: ACMG Guidelines, 2015. Collection method: clinical testing. Allele origin: germline. Inheritance: Autosomal recessive inheritance. Affected: yes.
Comment: Based on the classification scheme VCGS_Germline_v1.3.4, this variant is classified as VUS-3B. Following criteria are met: 0103 - Loss of function is a known mechanism of diseaese and is associated with autosomal recessive dyskinesia, limb and orofacial, infantile-onset (MIM#616921; PMID: 27058446), while dominant negative has been suggested as the mechanism of autosomal dominant striatal degeneration (MIM#616922; PMID: 27058447). (I) 0108 - This gene is associated with both recessive and dominant disease (OMIM). (I) 0200 - Variant is predicted to result in a missense amino acid change from threonine to arginine. (I) 0251 - This variant is heterozygous. (I) 0301 - Variant is absent from gnomAD (both v2 and v3). (SP) 0502 - Missense variant with conflicting in silico predictions and uninformative conservation. (I) 0600 - Variant is located in the annotated GAF-B domain (NCBI, PMID: 27058447). Variants in this domain are suggested to have a dominant negative effect and disrupt the positive regulation of the protein by cAMP (PMID: 27058447). (I) 0705 - No comparable missense variants have previous evidence for pathogenicity. (I) 0807 - This variant has no previous evidence of pathogenicity. (I) 0905 - No published segregation evidence has been identified for this variant. (I) 1007 - No published functional evidence has been identified for this variant. (I) 1208 - Inheritance information for this variant is not currently available in this individual. (I) Legend: (SP) - Supporting pathogenic, (I) - Information, (SB) - Supporting benign

Literature cited by the submitters: PubMed 27058446; PubMed 27058447.